The following is an entry in ClinVar:

NM_000321.3(RB1):c.2520+4A>G

Gene: RB1 (RB transcriptional corepressor 1; plus strand). Cytogenetic location: 13q14.2.
Variant type: single nucleotide variant.
Coding change: c.2520+4A>G on transcript NM_000321.3 (MANE Select); 4 bases into the intron after coding-DNA position 2520, A replaced by G.
Molecular consequence: intron variant.
Genome position (GRCh38, 1-based): chr13:48,473,394, A>G. VCF-style: chr13-48473394-A-G. GRCh37 (hg19) VCF-style: chr13-49047530-A-G.
Identifiers: ClinVar variation 949856 (VCV000949856.10), dbSNP rs1949484627, ClinGen allele CA645571661.

ClinVar aggregate classification (germline): Likely pathogenic. Review status: criteria provided, multiple submitters, no conflicts (2 of 4 stars). 2 submissions from 2 submitters: Likely pathogenic (2). Last evaluated 2025-03-17.

Conditions:
Retinoblastoma (RB1). Also called: RETINOBLASTOMA, SOMATIC. Identifiers: Orphanet 790, MedGen C0035335, MeSH D012175, MONDO:0008380, OMIM 180200, HP:0009919. Disease mechanism: loss of function. Inheritance: Both sporadic and heritable forms are tested..

Submissions (2):

Labcorp Genetics (formerly Invitae), Labcorp
Classification: Likely pathogenic for Retinoblastoma. Last evaluated: 2025-03-17. Review status: criteria provided, single submitter. Criteria: Invitae Variant Classification Sherloc (09022015). Collection method: clinical testing. Allele origin: germline.
Comment: This sequence change falls in intron 24 of the RB1 gene. It does not directly change the encoded amino acid sequence of the RB1 protein. It affects a nucleotide within the consensus splice site. This variant is not present in population databases (gnomAD no frequency). This variant has been observed in individuals with bilateral and unilateral retinoblastoma and bilateral retinoblastoma, and individuals from a family affected with bilateral and unilateral retinoblastoma (external communication, internal data). ClinVar contains an entry for this variant (Variation ID: 949856). Variants that disrupt the consensus splice site are a relatively common cause of aberrant splicing (PMID: 17576681, 9536098). Algorithms developed to predict the effect of sequence changes on RNA splicing suggest that this variant may disrupt the consensus splice site. In summary, the currently available evidence indicates that the variant is pathogenic, but additional data are needed to prove that conclusively. Therefore, this variant has been classified as Likely Pathogenic.

Genetic Diagnostic Laboratory, University of Pennsylvania School of Medicine
Classification: Likely pathogenic for Retinoblastoma. Last evaluated: 2024-05-20. Review status: criteria provided, single submitter. Criteria: ACMG Guidelines, 2015. Collection method: clinical testing. Allele origin: germline. Affected: yes. Observed: 1 variant allele.
Comment: Case and Pedigree Information: BILATERAL CASES:0, UNILATERAL CASES:1, TOTAL CASES:1, PEDIGREES:1. ACMG Codes Applied:PM2, PP3, PP5

Literature cited by the submitters: PubMed 17576681 (cited by Labcorp Genetics (formerly Invitae), Labcorp); PubMed 9536098 (cited by Labcorp Genetics (formerly Invitae), Labcorp).